The following is an entry in ClinVar:

NM_000501.4(ELN):c.914C>T (p.Ala305Val)

Gene: ELN (elastin; plus strand). Cytogenetic location: 7q11.23.
Variant type: single nucleotide variant.
Coding change: c.914C>T on transcript NM_000501.4 (MANE Select); coding-DNA position 914, C replaced by T.
Protein change: p.Ala305Val; replaces alanine 305 with valine.
Molecular consequence: missense variant.
Genome position (GRCh38, 1-based): chr7:74,051,948, C>T. VCF-style: chr7-74051948-C-T. GRCh37 (hg19) VCF-style: chr7-73466278-C-T.
Other names: c.884C>T, p.Ala295Val (NM_001081752.3, NM_001278917.2); c.929C>T, p.Ala310Val (NM_001081753.3, NM_001081754.3); c.914C>T, p.Ala305Val (NM_001081755.3, NM_001278912.2, NM_001278915.2 and 1 more transcripts); c.806C>T, p.Ala269Val (NM_001278913.2); c.899C>T, p.Ala300Val (NM_001278914.2); c.872C>T, p.Ala291Val (NM_001278916.2); c.782C>T, p.Ala261Val (NM_001278918.2); c.914C>T (NM_000501.3, NM_000501.2); short protein forms A305V, A291V, A261V, A269V, A295V, A300V, A310V.
Identifiers: ClinVar variation 967881 (VCV000967881.11), dbSNP rs782396192, ClinGen allele CA4292760.

ClinVar aggregate classification (germline): Uncertain significance. Review status: criteria provided, multiple submitters, no conflicts (2 of 4 stars). 3 submissions from 3 submitters: Uncertain significance (3). Last evaluated 2026-01-02.

Conditions:
Supravalvar aortic stenosis (SVAS). Also called: Supravalvar aortic stenosis, Eisenberg type. Identifiers: Orphanet 3193, MedGen C0003499, MONDO:0008504, OMIM 185500, HP:0004381.
ELN-related disorder.

Allele frequency attached by ClinVar (database versions not stated): ExAC 0.00004; gnomAD exomes 0.00004 and 0.00005; gnomAD 0.00007; TOPMed 0.00011.
gnomAD v4.1: 66 of 1,612,574 alleles (0.0041%); highest among the groups gnomAD compares: South Asian, 0.013%; no homozygotes.

Submissions (3):

Labcorp Genetics (formerly Invitae), Labcorp
Classification: Uncertain significance for Supravalvar aortic stenosis. Last evaluated: 2026-01-02. Review status: criteria provided, single submitter. Criteria: Invitae Variant Classification Sherloc (09022015). Collection method: clinical testing. Allele origin: germline.
Comment: This sequence change replaces alanine, which is neutral and non-polar, with valine, which is neutral and non-polar, at codon 305 of the ELN protein (p.Ala305Val). This variant is present in population databases (rs782396192, gnomAD 0.01%). This missense change has been observed in individual(s) with aortic dissection (PMID: 34422331). This variant is also known as c.C806T(p.A269V). ClinVar contains an entry for this variant (Variation ID: 967881). Invitae Evidence Modeling of protein sequence and biophysical properties (such as structural, functional, and spatial information, amino acid conservation, physicochemical variation, residue mobility, and thermodynamic stability) indicates that this missense variant is not expected to disrupt ELN protein function with a negative predictive value of 80%. In summary, the available evidence is currently insufficient to determine the role of this variant in disease. Therefore, it has been classified as a Variant of Uncertain Significance.

PreventionGenetics, part of Exact Sciences
Classification: Uncertain significance for ELN-related condition. Last evaluated: 2025-01-06. Review status: criteria provided, single submitter. Criteria: ACMG Guidelines, 2015. Collection method: clinical testing. Allele origin: germline.
Comment: The ELN c.914C>T variant is predicted to result in the amino acid substitution p.Ala305Val. Using alternate transcript(s), this variant is also referred to as c.806C>T (p.Ala269Val) via NM_001278913.1 or c.914C>T (p.Ala305Val) via NM_001278939.1. This variant has been reported in an individual with sporadic Standford type A aortic dissection (STAAD) (Chen et al. 2021. PubMed ID: 34422331). This variant is reported in 0.013% of alleles in individuals of South Asian descent in gnomAD. At this time, the clinical significance of this variant is uncertain due to the absence of conclusive functional and genetic evidence.

GeneDx
Classification: Uncertain significance. Last evaluated: 2024-01-02. Review status: criteria provided, single submitter. Criteria: GeneDx Variant Classification Process June 2021. Collection method: clinical testing. Allele origin: germline. Affected: yes.
Comment: In silico analysis supports that this missense variant has a deleterious effect on protein structure/function; This variant is associated with the following publications: (PMID: 34422331)

Literature cited by the submitters: PubMed 34422331 (cited by Labcorp Genetics (formerly Invitae), Labcorp).